The following is an entry in ClinVar:

ClinVar aggregate classification (germline): Uncertain significance. Review status: criteria provided, multiple submitters, no conflicts (2 of 4 stars). 2 submissions from 2 submitters: Uncertain significance (2). Last evaluated 2025-03-03.

Conditions:
Progressive familial heart block type IB (PFHB1B). Identifiers: Orphanet 871, MedGen C1970298, MONDO:0011474, OMIM 604559.

gnomAD v4.1: 1 of 1,613,062 alleles (0.000062%); highest among the groups gnomAD compares: Non-Finnish European, 0.000085%; no homozygotes.

Submissions (2):

Labcorp Genetics (formerly Invitae), Labcorp
Classification: Uncertain significance for Progressive familial heart block type IB. Last evaluated: 2025-03-03. Review status: criteria provided, single submitter. Criteria: Invitae Variant Classification Sherloc (09022015). Collection method: clinical testing. Allele origin: germline.
Comment: This sequence change affects a donor splice site in intron 21 of the TRPM4 gene. It is expected to disrupt RNA splicing. Variants that disrupt the donor or acceptor splice site typically lead to a loss of protein function (PMID: 16199547), however the current clinical and genetic evidence is not sufficient to establish whether loss-of-function variants in TRPM4 cause disease. This variant is not present in population databases (gnomAD no frequency). This variant has not been reported in the literature in individuals affected with TRPM4-related conditions. ClinVar contains an entry for this variant (Variation ID: 808615). Algorithms developed to predict the effect of sequence changes on RNA splicing suggest that this variant may disrupt the consensus splice site. In summary, the available evidence is currently insufficient to determine the role of this variant in disease. Therefore, it has been classified as a Variant of Uncertain Significance.

CeGaT Center for Human Genetics Tuebingen
Classification: Uncertain significance. Last evaluated: 2019-07-01. Review status: criteria provided, single submitter. Criteria: CeGaT Center For Human Genetics Tuebingen Variant Classification Criteria Version 2. Collection method: clinical testing. Allele origin: germline. Affected: yes. Observed: 3 variant alleles.

Literature cited by the submitters: PubMed 16199547 (cited by Labcorp Genetics (formerly Invitae), Labcorp).

NM_017636.4(TRPM4):c.3328+2T>C

Gene: TRPM4 (transient receptor potential cation channel subfamily M member 4; plus strand). Cytogenetic location: 19q13.33.
Variant type: single nucleotide variant.
Coding change: c.3328+2T>C on transcript NM_017636.4 (MANE Select); the canonical splice donor site of the intron after coding-DNA position 3328, T replaced by C.
Molecular consequence: splice donor variant.
Genome position (GRCh38, 1-based): chr19:49,210,407, T>C. VCF-style: chr19-49210407-T-C. GRCh37 (hg19) VCF-style: chr19-49713664-T-C.
Other names: c.2893+2T>C (NM_001195227.2); c.1720+2T>C (NM_001321282.2); c.2983+2T>C (NM_001321281.2); c.2806+2T>C (NM_001321283.2); c.2266+2T>C (NM_001321285.2).
Identifiers: ClinVar variation 808615 (VCV000808615.43), dbSNP rs1600543922, ClinGen allele CA406772234.